The following is an entry in ClinVar:

ClinVar aggregate classification (germline): not provided (0 of 4 stars; one submission).

Conditions:
Normal pregnancy. Identifiers: MedGen C0232989.

Submission:

Institute of Molecular and Cell Biology, University of Tartu
No classification provided. Condition: Normal pregnancy. Review status: no classification provided. Collection method: case-control. Allele origin: unknown. Affected: yes. Study: Kasak2014.
Comment: The study aimed to determine the contribution of copy number variants in the genetic etiology of normal and complicated pregnancies. The samples represented (i) maternal blood DNA drawn from healthy pregnant women during 1st or 2nd trimester and (ii) maternal and paternal blood DNA drawn at term pregnancy cases representing normal and complicated gestations (severe preeclampsia, PE; gestational diabetes, GD; small-for-gestational age newborn, SGA; large-for-gestational age newborn, LGA). We performed CNV calling based on genome-wide genotyping dataset (Illumina HumanOmniExpress-24-v1 BeadChip) by applying three algorithms, QuantiSNP, GADA (Genome Alteration Detection Algorithm) and CNstream in parallel. The acquired CNV calls were merged with HD-CNV (Hotspot Detector for Copy Number Variants) program and only the CNVs predicted by at least two programs, were considered in subsequent analysis.

Literature cited by the submitters: PubMed 25666259.

NM_001367943.1(TCF7L2):c.552+46764_552+47838del

Gene: TCF7L2 (transcription factor 7 like 2; plus strand). Cytogenetic location: 10q25.2.
Variant type: Deletion.
Coding change: c.552+46764_552+47838del on transcript NM_001367943.1 (MANE Select); bases 46764 to 47838 of the intron after coding-DNA position 552, 1,075 bases deleted.
Molecular consequence: intron variant.
Genome position (GRCh38, 1-based): chr10:113,086,890-113,087,964, 1,075 bases deleted. GRCh37 (hg19): chr10:114,846,649-114,847,723.
Other names: c.552+46764_552+47838del (NM_001363501.2, NM_001146274.2, NM_001198531.2); c.484-2510_484-1436del (NM_001146283.2); c.483+46764_483+47838del (NM_001198525.2, NM_001198528.2, NM_030756.5 and 6 more transcripts); c.382-54294_382-53220del (NM_001198530.2).
Identifiers: ClinVar variation 157187 (VCV000157187.2), ClinGen allele CA212280.